The following is an entry in ClinVar:

NM_170707.4(LMNA):c.811-18del

Gene: LMNA (lamin A/C; plus strand). Cytogenetic location: 1q22.
Variant type: Deletion.
Coding change: c.811-18del on transcript NM_170707.4 (MANE Select); 18 bases into the intron before coding-DNA position 811, one base deleted (C; older notation c.811-18delC).
Molecular consequence: intron variant.
Genome position (GRCh38, 1-based): chr1:156,135,169, C deleted; the last of 3 consecutive C bases (chr1:156,135,167-156,135,169); deleting any one gives the same sequence. VCF-style (leftmost placement, unchanged base first): chr1-156135166-AC-A. GRCh37 (hg19) VCF-style: chr1-156104957-AC-A.
Other names: c.811-20delC (NM_170707.2); c.811-18delC (NM_170707.2); c.811-18del (NM_001282625.2, NM_001282626.2, NM_170708.4 and 1 more transcripts); c.475-18del (NM_001257374.3); c.568-18del (NM_001282624.2).
Identifiers: ClinVar variation 510751 (VCV000510751.1), dbSNP rs1553265425, ClinGen allele CA658795531.

ClinVar aggregate classification (germline): Likely benign. Review status: criteria provided, single submitter (1 of 4 stars). 2 submissions from 1 submitter: Likely benign (1). 1 of the submissions does not count toward it. Last evaluated 2017-07-11.

Submissions (2):

GeneDx
Classification: Likely benign. Last evaluated: 2017-07-11. Review status: criteria provided, single submitter. Criteria: GeneDx Variant Classification (06012015). Collection method: clinical testing. Allele origin: germline. Affected: yes.
Comment: This variant is considered likely benign or benign based on one or more of the following criteria: it is a conservative change, it occurs at a poorly conserved position in the protein, it is predicted to be benign by multiple in silico algorithms, and/or has population frequency not consistent with disease.

GeneDx
Classification: Likely benign. Last evaluated: 2017-07-11. Review status: flagged submission. Criteria: GeneDx Variant Classification (06012015). Collection method: clinical testing. Allele origin: germline. Affected: yes. Not counted in ClinVar's aggregate classification.
Comment: the same text as in the submission from GeneDx above.
ClinVar note: Reason: This record appears to be redundant with a more recent record from the same submitter.
ClinVar note: Notes: SCV000720950 appears to be redundant with SCV000721068.